The following is an entry in ClinVar:

ClinVar aggregate classification (germline): Benign. Review status: criteria provided, multiple submitters, no conflicts (2 of 4 stars). 5 submissions from 5 submitters: Benign (5). Last evaluated 2026-02-04.

Conditions:
COG5-congenital disorder of glycosylation. Also called: CDG IIi; CONGENITAL DISORDER OF GLYCOSYLATION, TYPE IIi; COG5-CDG. Identifiers: Orphanet 263487, MedGen C3150876, MONDO:0013325, OMIM 613612.

Allele frequency attached by ClinVar (database versions not stated): 1000 Genomes Project 30x 0.13132; 1000 Genomes Project 0.13558; gnomAD 0.15851 and 0.16023; TOPMed 0.15891; ESP Exome Variant Server 0.16246; gnomAD exomes 0.18861 and 0.20988; ExAC 0.22286.
gnomAD v4.1: 322,054 of 1,573,810 alleles (20%); highest among the groups gnomAD compares: Non-Finnish European, 22%; 34,543 homozygotes.

Submissions (5):

Labcorp Genetics (formerly Invitae), Labcorp
Classification: Benign for COG5-congenital disorder of glycosylation. Last evaluated: 2026-02-04. Review status: criteria provided, single submitter. Criteria: Invitae Variant Classification Sherloc (09022015). Collection method: clinical testing. Allele origin: germline.

Genome-Nilou Lab
Classification: Benign for COG5-congenital disorder of glycosylation. Last evaluated: 2021-07-22. Review status: criteria provided, single submitter. Criteria: ACMG Guidelines, 2015. Collection method: clinical testing. Allele origin: germline. Affected: no.

Mayo Clinic Laboratories, Mayo Clinic
Classification: Benign. Last evaluated: 2018-10-02. Review status: criteria provided, single submitter. Criteria: ACMG Guidelines, 2015. Collection method: clinical testing. Allele origin: germline. Observed: 13 variant alleles.

GeneDx
Classification: Benign. Last evaluated: 2015-12-02. Review status: criteria provided, single submitter. Criteria: GeneDx Variant Classification (06012015). Collection method: clinical testing. Allele origin: germline. Affected: yes.
Comment: This variant is considered likely benign or benign based on one or more of the following criteria: it is a conservative change, it occurs at a poorly conserved position in the protein, it is predicted to be benign by multiple in silico algorithms, and/or has population frequency not consistent with disease.

Breakthrough Genomics
Classification: Benign. Review status: criteria provided, single submitter. Criteria: ACMG Guidelines, 2015. Collection method: not provided. Allele origin: germline. Inheritance: Autosomal recessive inheritance. Affected: yes.

NM_006348.5(COG5):c.949-18A>G

Gene: COG5 (component of oligomeric golgi complex 5; minus strand). Cytogenetic location: 7q22.3.
Variant type: single nucleotide variant.
Coding change: c.949-18A>G on transcript NM_006348.5 (MANE Select); 18 bases into the intron before coding-DNA position 949, A replaced by G.
Molecular consequence: intron variant.
Genome position (GRCh38, 1-based): chr7:107,362,128, T>C on the plus strand (A>G on the coding strand, the complement: COG5 is on the minus strand). VCF-style: chr7-107362128-T-C. GRCh37 (hg19) VCF-style: chr7-107002573-T-C.
Other names: p.?; c.235-18A>G (NM_001379516.1); c.539-63782A>G (NM_001379515.1); c.949-18A>G (NM_001379511.1, NM_001379512.1, NM_181733.4 and 3 more transcripts).
Identifiers: ClinVar variation 380060 (VCV000380060.15), dbSNP rs12536603, ClinGen allele CA4431047.
Genomic context (GRCh38, chr7:107,362,128, plus strand): 5'-CAGGATCTCTCTTCTTGGCCAATACTTTTTGTAGATGTTGTACCTTAAATGAAACAAATG[T>C]AAAGCTTAGGCAATAGAAAAAGCAAGAAAAGGGAAATGGCAACCTTTACGTACATTATCA-3'